The following is an entry in ClinVar:

ClinVar aggregate classification (germline): Uncertain significance (1 of 4 stars; one submission).

Submission:

GeneDx
Classification: Uncertain significance. Last evaluated: 2020-01-29. Review status: criteria provided, single submitter. Criteria: GeneDx Variant Classification Process June 2021. Collection method: clinical testing. Allele origin: germline. Affected: yes.
Comment: Not observed in large population cohorts (Lek 2016); Has not been previously published as pathogenic or benign to our knowledge; In-silico analysis, which includes splice predictors and evolutionary conservation, is inconclusive as to whether the variant alters gene splicing. In the absence of RNA/functional studies, the actual effect of this sequence change is unknown.

NM_002691.4(POLD1):c.2718-9T>A

Gene: POLD1 (DNA polymerase delta 1, catalytic subunit; plus strand). Cytogenetic location: 19q13.33.
Variant type: single nucleotide variant.
Coding change: c.2718-9T>A on transcript NM_002691.4 (MANE Select); 9 bases into the intron before coding-DNA position 2718, T replaced by A.
Molecular consequence: intron variant.
Genome position (GRCh38, 1-based): chr19:50,415,715, T>A. VCF-style: chr19-50415715-T-A. GRCh37 (hg19) VCF-style: chr19-50918972-T-A.
Other names: c.2718-9T>A (NM_001256849.1); c.2796-9T>A (NM_001308632.1).
Identifiers: ClinVar variation 1308188 (VCV001308188.2), dbSNP rs1203177061, ClinGen allele CA996788073.
Genomic context (GRCh38, chr19:50,415,715, plus strand): 5'-TCCTACACCCTCGCCCCCACCCCCGCCACCCACCTGCCCTCACCCACCCGCCACCCCATC[T>A]CCACGCAGGATGAGGAAGCGGGACCCCGGGAGTGCGCCCAGCCTGGGCGACCGCGTCCCC-3'